The following is an entry in ClinVar:

ClinVar aggregate classification (germline): Likely pathogenic (1 of 4 stars; one submission).

Submission:

Labcorp Genetics (formerly Invitae), Labcorp
Classification: Likely pathogenic. Last evaluated: 2026-02-01. Review status: criteria provided, single submitter. Criteria: Invitae Variant Classification Sherloc (09022015). Collection method: clinical testing. Allele origin: germline.
Comment: This sequence change affects a donor splice site in intron 2 of the TBX20 gene. It is expected to disrupt RNA splicing. Variants that disrupt the donor or acceptor splice site typically lead to a loss of protein function (PMID: 16199547), and loss-of-function variants in TBX20 are known to be pathogenic (PMID: 15901664, 25625280, 26118961, 27510170). This variant is not present in population databases (gnomAD no frequency). This variant has not been reported in the literature in individuals affected with TBX20-related conditions. Algorithms developed to predict the effect of sequence changes on RNA splicing suggest that this variant may disrupt the consensus splice site. In summary, the currently available evidence indicates that the variant is pathogenic, but additional data are needed to prove that conclusively. Therefore, this variant has been classified as Likely Pathogenic.

Literature cited by the submitters: PubMed 16199547; PubMed 15901664; PubMed 25625280; PubMed 26118961; PubMed 27510170.

NM_001077653.2(TBX20):c.380+2T>G

Gene: TBX20 (T-box transcription factor 20; minus strand). Cytogenetic location: 7p14.2.
Variant type: single nucleotide variant.
Coding change: c.380+2T>G on transcript NM_001077653.2 (MANE Select); the canonical splice donor site of the intron after coding-DNA position 380, T replaced by G.
Molecular consequence: splice donor variant.
Genome position (GRCh38, 1-based): chr7:35,249,949, A>C on the plus strand (T>G on the coding strand, the complement: TBX20 is on the minus strand). VCF-style: chr7-35249949-A-C. GRCh37 (hg19) VCF-style: chr7-35289561-A-C.
Other names: c.380+2T>G (NM_001166220.1).
Identifiers: ClinVar variation 4731675 (VCV004731675.1).